The following is an entry in ClinVar:

ClinVar aggregate classification (germline): Uncertain significance. Review status: criteria provided, multiple submitters, no conflicts (2 of 4 stars). 2 submissions from 2 submitters: Uncertain significance (2). Last evaluated 2025-08-17.

Conditions:
Cardiomyopathy (CMYO). Also called: Cardiomyopathies. Identifiers: Orphanet 167848, MedGen C0878544, MONDO:0004994, HP:0001638. Inheritance: Various modes of inheritance.
Hypertrophic cardiomyopathy 10. Also called: CARDIOMYOPATHY, HYPERTROPHIC, MID-LEFT VENTRICULAR CHAMBER TYPE, 2; MYL2-Related Familial Hypertrophic Cardiomyopathy. Identifiers: MedGen C1834460, MONDO:0012112, OMIM 608758.

Allele frequency attached by ClinVar (database versions not stated): gnomAD exomes below 0.00001 and 0.00001; ExAC 0.00001.
gnomAD v4.1: 18 of 1,614,198 alleles (0.0011%); highest among the groups gnomAD compares: Non-Finnish European, 0.0015%; no homozygotes.

Submissions (2):

Labcorp Genetics (formerly Invitae), Labcorp
Classification: Uncertain significance for Hypertrophic cardiomyopathy 10. Last evaluated: 2025-08-17. Review status: criteria provided, single submitter. Criteria: Invitae Variant Classification Sherloc (09022015). Collection method: clinical testing. Allele origin: germline.
Comment: This sequence change falls in intron 5 of the MYL2 gene. It does not directly change the encoded amino acid sequence of the MYL2 protein. It affects a nucleotide within the consensus splice site. This variant is present in population databases (rs757267554, gnomAD 0.0009%). This variant has not been reported in the literature in individuals affected with MYL2-related conditions. ClinVar contains an entry for this variant (Variation ID: 969226). Variants that disrupt the consensus splice site are a relatively common cause of aberrant splicing (PMID: 17576681, 9536098). Algorithms developed to predict the effect of sequence changes on RNA splicing suggest that this variant may disrupt the consensus splice site. In summary, the available evidence is currently insufficient to determine the role of this variant in disease. Therefore, it has been classified as a Variant of Uncertain Significance.

Color Diagnostics, LLC DBA Color Health
Classification: Uncertain significance for Cardiomyopathy. Last evaluated: 2024-03-26. Review status: criteria provided, single submitter. Criteria: ACMG Guidelines, 2015. Collection method: clinical testing. Allele origin: germline.
Comment: This variant causes an A to C nucleotide substitution at the +4 position of intron 5 of the MYL2 gene. Splice site prediction tools suggest that this variant may have a significant impact on RNA splicing. However, this prediction has not been confirmed in published RNA studies. This variant has not been reported in individuals affected with MYL2-related disorders in the literature. This variant has been identified in 1/251486 chromosomes in the general population by the Genome Aggregation Database (gnomAD). The available evidence is insufficient to determine the role of this variant in disease conclusively. Therefore, this variant is classified as a Variant of Uncertain Significance.

Literature cited by the submitters: PubMed 17576681 (cited by Labcorp Genetics (formerly Invitae), Labcorp); PubMed 9536098 (cited by Labcorp Genetics (formerly Invitae), Labcorp).

NM_000432.4(MYL2):c.353+4A>C

Gene: MYL2 (myosin light chain 2; minus strand). Cytogenetic location: 12q24.11.
Variant type: single nucleotide variant.
Coding change: c.353+4A>C on transcript NM_000432.4 (MANE Select); 4 bases into the intron after coding-DNA position 353, A replaced by C.
Molecular consequence: intron variant.
Genome position (GRCh38, 1-based): chr12:110,913,242, T>G on the plus strand (A>C on the coding strand, the complement: MYL2 is on the minus strand). VCF-style: chr12-110913242-T-G. GRCh37 (hg19) VCF-style: chr12-111351046-T-G.
Identifiers: ClinVar variation 969226 (VCV000969226.9), dbSNP rs757267554, ClinGen allele CA042021.
Genomic context (GRCh38, chr12:110,913,242, plus strand): 5'-GTGTGTGTAGGGGGGACAGGGGGCAAGCAGGGAACCCCCTTCCTCCCCCACAGACCCCAC[T>G]CACTAATCAGCCTTCAGCACCCCTTTGCCTTCAGGGTCAAACACTTTGAATGCGTTGAGA-3'